The following is an entry in ClinVar:

ClinVar aggregate classification (germline): Pathogenic/Likely pathogenic. Review status: criteria provided, multiple submitters, no conflicts (2 of 4 stars). 2 submissions from 2 submitters: Pathogenic (1); Likely pathogenic (1). Last evaluated 2026-01-19.

Allele frequency attached by ClinVar (database versions not stated): ExAC 0.00001; gnomAD exomes 0.00001; TOPMed 0.00001.

Submissions (2):

Labcorp Genetics (formerly Invitae), Labcorp
Classification: Pathogenic. Last evaluated: 2026-01-19. Review status: criteria provided, single submitter. Criteria: Invitae Variant Classification Sherloc (09022015). Collection method: clinical testing. Allele origin: germline.
Comment: This sequence change creates a premature translational stop signal (p.His493Leufs*93) in the DUOX2 gene. It is expected to result in an absent or disrupted protein product. Loss-of-function variants in DUOX2 are known to be pathogenic (PMID: 12110737, 18765513, 21565790, 24423310, 24735383). This variant is present in population databases (rs751410726, gnomAD 0.009%). This variant has not been reported in the literature in individuals affected with DUOX2-related conditions. ClinVar contains an entry for this variant (Variation ID: 421061). For these reasons, this variant has been classified as Pathogenic.

GeneDx
Classification: Likely pathogenic. Last evaluated: 2016-04-25. Review status: criteria provided, single submitter. Criteria: GeneDx Variant Classification (06012015). Collection method: clinical testing. Allele origin: germline. Affected: yes.
Comment: The c.1478delA variant in the DUOX2 gene has not been reported previously as a pathogenic variant nor as a benign variant, to our knowledge. The c.1478delA variant causes a frameshift starting with codon Histidine 493, changes this amino acid to a Leucine residue, and creates a premature Stop codon at position 93 of the new reading frame, denoted p.His493LeufsX93. This variant is predicted to cause loss of normal protein function either through protein truncation or nonsense-mediated mRNA decay. The c.1478delA variant was not observed in approximately 6,500 individuals of European and African American ancestry in the NHLBI Exome Sequencing Project, indicating it is not a common benign variant in these populations. We interpret c.1478delA as a likely pathogenic variant.

Literature cited by the submitters: PubMed 12110737 (cited by Labcorp Genetics (formerly Invitae), Labcorp); PubMed 18765513 (cited by Labcorp Genetics (formerly Invitae), Labcorp); PubMed 21565790 (cited by Labcorp Genetics (formerly Invitae), Labcorp); PubMed 24423310 (cited by Labcorp Genetics (formerly Invitae), Labcorp); PubMed 24735383 (cited by Labcorp Genetics (formerly Invitae), Labcorp).

NM_001363711.2(DUOX2):c.1478del (p.His493fs)

Gene: DUOX2 (dual oxidase 2; minus strand). Cytogenetic location: 15q21.1.
Variant type: Deletion.
Coding change: c.1478del on transcript NM_001363711.2 (MANE Select); coding-DNA position 1478, one base deleted (A; older notation c.1478delA).
Protein change: p.His493fs; shifts the reading frame from histidine 493.
Molecular consequence: frameshift variant.
Genome position (GRCh38, 1-based): chr15:45,108,143, T deleted on the plus strand (A on the coding strand, the reverse complement: DUOX2 is on the minus strand). VCF-style (leftmost placement, unchanged base first): chr15-45108142-AT-A. GRCh37 (hg19) VCF-style: chr15-45400340-AT-A.
Other names: c.1478delA (NM_014080.4); c.1478del, p.His493fs (NM_014080.5); short protein forms H493fs.
Identifiers: ClinVar variation 421061 (VCV000421061.6), dbSNP rs751410726, ClinGen allele CA7538598.